The following is an entry in ClinVar:

ClinVar aggregate classification (germline): Conflicting classifications of pathogenicity. Review status: criteria provided, conflicting classifications (1 of 4 stars). 4 submissions from 4 submitters: Uncertain significance (3); Likely benign (1). Last evaluated 2025-10-02.

Conditions:
Aortic aneurysm, familial thoracic 7 (AAT7). Also called: AORTIC DISSECTION, FAMILIAL, WITH OR WITHOUT AORTIC ANEURYSM. Identifiers: MedGen C3151077, MONDO:0013418, OMIM 613780.
Familial thoracic aortic aneurysm and aortic dissection (TAAD). Also called: Thoracic aortic aneurysms and dissections. Identifiers: Orphanet 91387, MedGen C4707243, MONDO:0019625.

Allele frequency attached by ClinVar (database versions not stated): TOPMed 0.00005; gnomAD exomes 0.00002 and 0.00001; ExAC 0.00002; ESP Exome Variant Server 0.00008; gnomAD 0.00004.
gnomAD v4.1: 15 of 1,614,058 alleles (0.00093%); highest among the groups gnomAD compares: Middle Eastern, 0.049%; no homozygotes.

Submissions (4):

GeneDx
Classification: Uncertain significance. Last evaluated: 2025-10-02. Review status: criteria provided, single submitter. Criteria: GeneDx Variant Classification Process June 2021. Collection method: clinical testing. Allele origin: germline.
Comment: In silico analysis suggests that this missense variant does not alter protein structure/function; Has not been previously published as pathogenic or benign to our knowledge

Labcorp Genetics (formerly Invitae), Labcorp
Classification: Uncertain significance for Aortic aneurysm, familial thoracic 7. Last evaluated: 2022-12-17. Review status: criteria provided, single submitter. Criteria: Invitae Variant Classification Sherloc (09022015). Collection method: clinical testing. Allele origin: germline.
Comment: This sequence change replaces alanine, which is neutral and non-polar, with threonine, which is neutral and polar, at codon 524 of the MYLK protein (p.Ala524Thr). This variant is present in population databases (rs375501508, gnomAD 0.02%). This variant has not been reported in the literature in individuals affected with MYLK-related conditions. ClinVar contains an entry for this variant (Variation ID: 519974). Advanced modeling of protein sequence and biophysical properties (such as structural, functional, and spatial information, amino acid conservation, physicochemical variation, residue mobility, and thermodynamic stability) performed at Invitae indicates that this missense variant is not expected to disrupt MYLK protein function. In summary, the available evidence is currently insufficient to determine the role of this variant in disease. Therefore, it has been classified as a Variant of Uncertain Significance.

Women's Health and Genetics/Laboratory Corporation of America, LabCorp
Classification: Uncertain significance. Last evaluated: 2021-12-20. Review status: criteria provided, single submitter. Criteria: LabCorp Variant Classification Summary - May 2015. Collection method: clinical testing. Allele origin: germline.
Comment: Variant summary: MYLK c.1570G>A (p.Ala524Thr) results in a non-conservative amino acid change located in the Immunoglobulin-like domain (IPR007110) of the encoded protein sequence. Four of five in-silico tools predict a benign effect of the variant on protein function. The variant allele was found at a frequency of 1.6e-05 in 250996 control chromosomes (gnomAD). The available data on variant occurrences in the general population are insufficient to allow any conclusion about variant significance. To our knowledge, no occurrence of c.1570G>A in individuals affected with Thoracic Aortic Aneurysms And Dissections and no experimental evidence demonstrating its impact on protein function have been reported. A ClinVar submitter (evaluation after 2014) cites the variant as likely benign. Based on the evidence outlined above, the variant was classified as uncertain significance.

Ambry Genetics
Classification: Likely benign for Familial thoracic aortic aneurysm and aortic dissection. Last evaluated: 2016-03-15. Review status: criteria provided, single submitter. Criteria: Ambry Variant Classification Scheme 2023. Collection method: clinical testing. Allele origin: germline.

NM_053025.4(MYLK):c.1570G>A (p.Ala524Thr)

Gene: MYLK (myosin light chain kinase; minus strand). Cytogenetic location: 3q21.1.
Variant type: single nucleotide variant.
Coding change: c.1570G>A on transcript NM_053025.4 (MANE Select); coding-DNA position 1570, G replaced by A.
Protein change: p.Ala524Thr; replaces alanine 524 with threonine.
Molecular consequence: missense variant.
Genome position (GRCh38, 1-based): chr3:123,726,025, C>T on the plus strand (G>A on the coding strand, the complement: MYLK is on the minus strand). VCF-style: chr3-123726025-C-T. GRCh37 (hg19) VCF-style: chr3-123444872-C-T.
Other names: c.1042G>A, p.Ala348Thr (NM_001321309.2); c.1363G>A, p.Ala455Thr (NM_053026.4, NM_053028.4); c.1570G>A, p.Ala524Thr (NM_053027.4); short protein forms A524T, A348T, A455T.
Identifiers: ClinVar variation 519974 (VCV000519974.11), dbSNP rs375501508, ClinGen allele CA067224.